The following is an entry in ClinVar:

NM_014425.5(INVS):c.371A>G (p.His124Arg)

Gene: INVS (inversin; plus strand). Cytogenetic location: 9q31.1.
Variant type: single nucleotide variant.
Coding change: c.371A>G on transcript NM_014425.5 (MANE Select); coding-DNA position 371, A replaced by G.
Protein change: p.His124Arg; replaces histidine 124 with arginine.
Molecular consequence: missense variant. On other transcripts: 5 prime UTR variant (1), non-coding transcript variant (1).
Genome position (GRCh38, 1-based): chr9:100,226,159, A>G. VCF-style: chr9-100226159-A-G. GRCh37 (hg19) VCF-style: chr9-102988441-A-G.
Other names: c.83A>G, p.His28Arg (NM_001318381.2); c.-619A>G (NM_001318382.2); short protein forms H28R, H124R.
Identifiers: ClinVar variation 938865 (VCV000938865.7), dbSNP rs1251662430, ClinGen allele CA374359282.

ClinVar aggregate classification (germline): Uncertain significance (1 of 4 stars; one submission).

Conditions:
Nephronophthisis. Also called: Juvenile Nephronophthisis. Identifiers: Orphanet 655, MedGen C0687120, MONDO:0019005, HP:0000090.

Allele frequency attached by ClinVar (database versions not stated): gnomAD exomes below 0.00001; TOPMed below 0.00001.
gnomAD v4.1: 5 of 1,614,098 alleles (0.00031%); highest among the groups gnomAD compares: South Asian, 0.0011%; no homozygotes.

Submission:

Labcorp Genetics (formerly Invitae), Labcorp
Classification: Uncertain significance for Nephronophthisis. Last evaluated: 2022-10-26. Review status: criteria provided, single submitter. Criteria: Invitae Variant Classification Sherloc (09022015). Collection method: clinical testing. Allele origin: germline.
Comment: This sequence change replaces histidine, which is basic and polar, with arginine, which is basic and polar, at codon 124 of the INVS protein (p.His124Arg). This variant is present in population databases (no rsID available, gnomAD 0.0009%). This variant has not been reported in the literature in individuals affected with INVS-related conditions. ClinVar contains an entry for this variant (Variation ID: 938865). Algorithms developed to predict the effect of missense changes on protein structure and function (SIFT, PolyPhen-2, Align-GVGD) all suggest that this variant is likely to be disruptive. In summary, the available evidence is currently insufficient to determine the role of this variant in disease. Therefore, it has been classified as a Variant of Uncertain Significance.